The following is an entry in ClinVar:

NM_000322.5(PRPH2):c.665G>C (p.Cys222Ser)

Gene: PRPH2 (peripherin 2; minus strand). Cytogenetic location: 6p21.1.
Variant type: single nucleotide variant.
Coding change: c.665G>C on transcript NM_000322.5 (MANE Select); coding-DNA position 665, G replaced by C.
Protein change: p.Cys222Ser; replaces cysteine 222 with serine.
Molecular consequence: missense variant.
Genome position (GRCh38, 1-based): chr6:42,704,528, C>G on the plus strand (G>C on the coding strand, the complement: PRPH2 is on the minus strand). VCF-style: chr6-42704528-C-G. GRCh37 (hg19) VCF-style: chr6-42672266-C-G.
Other names: short protein forms C222S.
Identifiers: ClinVar variation 866971 (VCV000866971.13), dbSNP rs1442844778, ClinGen allele CA364135444.
Genomic context (GRCh38, chr6:42,704,528, plus strand): 5'-TCCTCCGTCTGGTGGTCGTAACTGTAGTGTGCTGAGTTGTTGGTGATCTGATACTGGATG[C>G]AGGGCCGTGGCGAGCTAGGATTGCAGCAGCTGAAAGGGACGCCGTCCACCAGGTACCGCC-3'
Protein context (NP_000313.2, residues 212-232): SCCNPSSPRP[Cys222Ser]IQYQITNNSA

ClinVar aggregate classification (germline): Pathogenic/Likely pathogenic. Review status: criteria provided, multiple submitters, no conflicts (2 of 4 stars). 4 submissions from 4 submitters: Pathogenic (2); Likely pathogenic (1). 1 of the submissions does not count toward it. Last evaluated 2026-10-21.

Conditions:
PRPH2-related disorder. Also called: PRPH2-related condition; PRPH2-related disorders. Identifiers: MedGen CN239395.

Allele frequency attached by ClinVar (database versions not stated): gnomAD 0.00001 and below 0.00001; TOPMed below 0.00001.
gnomAD v4.1: 1 of 1,614,064 alleles (0.000062%); highest among the groups gnomAD compares: South Asian, 0.0011%; no homozygotes.

Submissions (4):

GeneDx
Classification: Likely pathogenic. Last evaluated: 2026-10-21. Review status: criteria provided, single submitter. Criteria: GeneDx Variant Classification Process June 2021. Collection method: clinical testing. Allele origin: germline.
Comment: Published functional studies suggest this variant may result in impairment of protein folding, however additional studies are needed to validate the functional effect of this variant (PMID: 9425091); Not observed at significant frequency in large population cohorts (gnomAD); In silico analysis supports that this missense variant has a deleterious effect on protein structure/function; This variant is associated with the following publications: (PMID: 34411390, 25390130, 17296903, 25447119, 9425091, 33090715, 36819107, 38219857, 38743414)

Labcorp Genetics (formerly Invitae), Labcorp
Classification: Pathogenic for PRPH2-related disorder. Last evaluated: 2024-04-30. Review status: criteria provided, single submitter. Criteria: Invitae Variant Classification Sherloc (09022015). Collection method: clinical testing. Allele origin: germline.
Comment: This sequence change replaces cysteine, which is neutral and slightly polar, with serine, which is neutral and polar, at codon 222 of the PRPH2 protein (p.Cys222Ser). This variant is not present in population databases (gnomAD no frequency). This missense change has been observed in individuals with autosomal dominant retinitis pigmentosa or macular dystrophy (PMID: 25390130, 25447119). This variant is also known as 667G → C. ClinVar contains an entry for this variant (Variation ID: 866971). Advanced modeling of protein sequence and biophysical properties (such as structural, functional, and spatial information, amino acid conservation, physicochemical variation, residue mobility, and thermodynamic stability) performed at Invitae indicates that this missense variant is expected to disrupt PRPH2 protein function with a positive predictive value of 95%. This variant disrupts the p.Cys222 amino acid residue in PRPH2. Other variant(s) that disrupt this residue have been determined to be pathogenic (PMID: 28559085; Invitae). This suggests that this residue is clinically significant, and that variants that disrupt this residue are likely to be disease-causing. For these reasons, this variant has been classified as Pathogenic.

Blueprint Genetics
Classification: Pathogenic for PRPH2-related disorders. Last evaluated: 2021-09-17. Review status: criteria provided, single submitter. Criteria: ACMG Guidelines, 2015. Collection method: clinical testing. Allele origin: germline. Affected: yes. Observed: 5 variant alleles.

Leiden Open Variation Database
Classification: Pathogenic. Last evaluated: 2021-04-06. Review status: no assertion criteria provided. Collection method: curation. Allele origin: germline. Affected: yes. Not counted in ClinVar's aggregate classification.
Comment: Curator: Global Variome, with Curator vacancy. Submitter to LOVD: Manon Peeters.

Literature cited by the submitters: PubMed 25390130 (cited by Labcorp Genetics (formerly Invitae), Labcorp and Leiden Open Variation Database); PubMed 25447119 (cited by Labcorp Genetics (formerly Invitae), Labcorp); PubMed 28559085 (cited by Labcorp Genetics (formerly Invitae), Labcorp).